The following is an entry in ClinVar:

ClinVar aggregate classification (germline): Uncertain significance. Review status: criteria provided, multiple submitters, no conflicts (2 of 4 stars). 2 submissions from 2 submitters: Uncertain significance (2). Last evaluated 2024-11-26.

Conditions:
TP63-Related Spectrum Disorders.

Allele frequency attached by ClinVar (database versions not stated): gnomAD exomes below 0.00001; TOPMed below 0.00001; ExAC 0.00001; gnomAD 0.00001.
gnomAD v4.1: 3 of 1,613,898 alleles (0.00019%); highest among the groups gnomAD compares: Non-Finnish European, 0.00017%; no homozygotes.

Submissions (2):

GeneDx
Classification: Uncertain significance. Last evaluated: 2024-11-26. Review status: criteria provided, single submitter. Criteria: GeneDx Variant Classification Process June 2021. Collection method: clinical testing. Allele origin: germline. Affected: yes.
Comment: In silico analysis indicates that this missense variant does not alter protein structure/function; Has not been previously published as pathogenic or benign to our knowledge

Labcorp Genetics (formerly Invitae), Labcorp
Classification: Uncertain significance. Last evaluated: 2023-10-11. Review status: criteria provided, single submitter. Criteria: Invitae Variant Classification Sherloc (09022015). Collection method: clinical testing. Allele origin: germline.
Comment: This sequence change replaces threonine, which is neutral and polar, with alanine, which is neutral and non-polar, at codon 493 of the TP63 protein (p.Thr493Ala). This variant is present in population databases (rs774842245, gnomAD 0.004%). This variant has not been reported in the literature in individuals affected with TP63-related conditions. Advanced modeling of protein sequence and biophysical properties (such as structural, functional, and spatial information, amino acid conservation, physicochemical variation, residue mobility, and thermodynamic stability) has been performed at Invitae for this missense variant, however the output from this modeling did not meet the statistical confidence thresholds required to predict the impact of this variant on TP63 protein function. In summary, the available evidence is currently insufficient to determine the role of this variant in disease. Therefore, it has been classified as a Variant of Uncertain Significance.

NM_003722.5(TP63):c.1477A>G (p.Thr493Ala)

Gene: TP63 (tumor protein p63; plus strand). Cytogenetic location: 3q28.
Variant type: single nucleotide variant.
Coding change: c.1477A>G on transcript NM_003722.5 (MANE Select); coding-DNA position 1477, A replaced by G.
Protein change: p.Thr493Ala; replaces threonine 493 with alanine.
Molecular consequence: missense variant.
Genome position (GRCh38, 1-based): chr3:189,886,521, A>G. VCF-style: chr3-189886521-A-G. GRCh37 (hg19) VCF-style: chr3-189604310-A-G.
Other names: c.1477A>G, p.Thr493Ala (NM_001114978.2, NM_001329144.2); c.1195A>G, p.Thr399Ala (NM_001114980.2, NM_001114981.2, NM_001329145.2); c.940A>G, p.Thr314Ala (NM_001329146.2); c.1465A>G, p.Thr489Ala (NM_001329148.2); c.1183A>G, p.Thr395Ala (NM_001329149.2); c.928A>G, p.Thr310Ala (NM_001329150.2); c.1471A>G, p.Thr491Ala (NM_001329964.2); c.1477A>G (NM_003722.4); short protein forms T310A, T493A, T395A, T314A, T399A, T489A, T491A.
Identifiers: ClinVar variation 2916968 (VCV002916968.3), dbSNP rs774842245, ClinGen allele CA2752491.
Genomic context (GRCh38, chr3:189,886,521, plus strand): 5'-AACAAGCTGCCTTCTGTGAGCCAGCTTATCAACCCTCAGCAGCGCAACGCCCTCACTCCT[A>G]CAACCATTCCTGATGGCATGGGAGCCAACAGTAAGAGCATCTCCTTTTAGCTGTGGCTGA-3'
Protein context (NP_003713.3, residues 483-503): NPQQRNALTP[Thr493Ala]TIPDGMGANI